The following is an entry in ClinVar:

ClinVar aggregate classification (germline): Uncertain significance (1 of 4 stars; one submission).

Conditions:
Catecholaminergic polymorphic ventricular tachycardia 1. Also called: VENTRICULAR TACHYCARDIA, CATECHOLAMINERGIC POLYMORPHIC, 1, WITH OR WITHOUT ATRIAL DYSFUNCTION AND/OR DILATED CARDIOMYOPATHY; VENTRICULAR TACHYCARDIA, STRESS-INDUCED POLYMORPHIC 1; RYR2-Related Catecholaminergic Polymorphic Ventricular Tachycardia. Identifiers: Orphanet 3286, MedGen C1631597, MONDO:0011484, OMIM 604772.

gnomAD v4.1: 1 of 1,613,858 alleles (0.000062%); highest among the groups gnomAD compares: Non-Finnish European, 0.000085%; no homozygotes.

Submission:

Labcorp Genetics (formerly Invitae), Labcorp
Classification: Uncertain significance for Catecholaminergic polymorphic ventricular tachycardia 1. Last evaluated: 2022-10-03. Review status: criteria provided, single submitter. Criteria: Invitae Variant Classification Sherloc (09022015). Collection method: clinical testing. Allele origin: germline.
Comment: In summary, the available evidence is currently insufficient to determine the role of this variant in disease. Therefore, it has been classified as a Variant of Uncertain Significance. Advanced modeling of protein sequence and biophysical properties (such as structural, functional, and spatial information, amino acid conservation, physicochemical variation, residue mobility, and thermodynamic stability) performed at Invitae indicates that this missense variant is not expected to disrupt RYR2 protein function. This variant has not been reported in the literature in individuals affected with RYR2-related conditions. This variant is not present in population databases (gnomAD no frequency). This sequence change replaces arginine, which is basic and polar, with serine, which is neutral and polar, at codon 1254 of the RYR2 protein (p.Arg1254Ser).

NM_001035.3(RYR2):c.3762G>C (p.Arg1254Ser)

Gene: RYR2 (ryanodine receptor 2; plus strand). Cytogenetic location: 1q43.
Variant type: single nucleotide variant.
Coding change: c.3762G>C on transcript NM_001035.3 (MANE Select); coding-DNA position 3762, G replaced by C.
Protein change: p.Arg1254Ser; replaces arginine 1254 with serine.
Molecular consequence: missense variant.
Genome position (GRCh38, 1-based): chr1:237,589,956, G>C. VCF-style: chr1-237589956-G-C. GRCh37 (hg19) VCF-style: chr1-237753256-G-C.
Other names: short protein forms R1254S.
Identifiers: ClinVar variation 1720847 (VCV001720847.6), dbSNP rs1200075909, ClinGen allele CA345396500.